The following is an entry in ClinVar:

ClinVar aggregate classification (germline): Uncertain significance (1 of 4 stars; one submission).

Allele frequency attached by ClinVar (database versions not stated): ExAC 0.00001; TOPMed 0.00003; gnomAD 0.00004; gnomAD exomes 0.00013.
gnomAD v4.1: 197 of 1,613,726 alleles (0.012%); highest among the groups gnomAD compares: Non-Finnish European, 0.016%; no homozygotes.

Submission:

Labcorp Genetics (formerly Invitae), Labcorp
Classification: Uncertain significance. Last evaluated: 2025-01-06. Review status: criteria provided, single submitter. Criteria: Invitae Variant Classification Sherloc (09022015). Collection method: clinical testing. Allele origin: germline.
Comment: This sequence change replaces isoleucine, which is neutral and non-polar, with valine, which is neutral and non-polar, at codon 1391 of the ITPR1 protein (p.Ile1391Val). This variant is present in population databases (rs762136714, gnomAD 0.006%). This variant has not been reported in the literature in individuals affected with ITPR1-related conditions. ClinVar contains an entry for this variant (Variation ID: 2415028). Invitae Evidence Modeling of protein sequence and biophysical properties (such as structural, functional, and spatial information, amino acid conservation, physicochemical variation, residue mobility, and thermodynamic stability) indicates that this missense variant is not expected to disrupt ITPR1 protein function with a negative predictive value of 80%. In summary, the available evidence is currently insufficient to determine the role of this variant in disease. Therefore, it has been classified as a Variant of Uncertain Significance.

NM_001378452.1(ITPR1):c.4243A>G (p.Ile1415Val)

Gene: ITPR1 (inositol 1,4,5-trisphosphate receptor type 1; plus strand). Cytogenetic location: 3p26.1.
Variant type: single nucleotide variant.
Coding change: c.4243A>G on transcript NM_001378452.1 (MANE Select); coding-DNA position 4243, A replaced by G.
Protein change: p.Ile1415Val; replaces isoleucine 1415 with valine.
Molecular consequence: missense variant.
Genome position (GRCh38, 1-based): chr3:4,693,703, A>G. VCF-style: chr3-4693703-A-G. GRCh37 (hg19) VCF-style: chr3-4735387-A-G.
Other names: c.4216A>G, p.Ile1406Val (NM_001099952.4); c.4198A>G, p.Ile1400Val (NM_001168272.2); c.4171A>G, p.Ile1391Val (NM_002222.7); short protein forms I1391V, I1400V, I1406V, I1415V.
Identifiers: ClinVar variation 2415028 (VCV002415028.6), dbSNP rs762136714, ClinGen allele CA2231915.